The following is an entry in ClinVar:

ClinVar aggregate classification (germline): Uncertain significance (1 of 4 stars; one submission).

Allele frequency attached by ClinVar (database versions not stated): gnomAD 0.00001; gnomAD exomes 0.00001; TOPMed 0.00001.
gnomAD v4.1: 13 of 1,613,260 alleles (0.00081%); highest among the groups gnomAD compares: Non-Finnish European, 0.001%; no homozygotes.

Submission:

Labcorp Genetics (formerly Invitae), Labcorp
Classification: Uncertain significance. Last evaluated: 2022-08-31. Review status: criteria provided, single submitter. Criteria: Invitae Variant Classification Sherloc (09022015). Collection method: clinical testing. Allele origin: germline.
Comment: This variant has not been reported in the literature in individuals affected with NEK2-related conditions. This variant is present in population databases (no rsID available, gnomAD 0.007%). This sequence change replaces arginine, which is basic and polar, with glycine, which is neutral and non-polar, at codon 439 of the NEK2 protein (p.Arg439Gly). In summary, the available evidence is currently insufficient to determine the role of this variant in disease. Therefore, it has been classified as a Variant of Uncertain Significance. Algorithms developed to predict the effect of missense changes on protein structure and function are either unavailable or do not agree on the potential impact of this missense change (SIFT: "Deleterious"; PolyPhen-2: "Benign"; Align-GVGD: "Class C0").

NM_002497.4(NEK2):c.1315A>G (p.Arg439Gly)

Gene: NEK2 (NIMA related kinase 2; minus strand). Cytogenetic location: 1q32.3.
Variant type: single nucleotide variant.
Coding change: c.1315A>G on transcript NM_002497.4 (MANE Select); coding-DNA position 1315, A replaced by G.
Protein change: p.Arg439Gly; replaces arginine 439 with glycine.
Molecular consequence: missense variant. On other transcripts: intron variant (1).
Genome position (GRCh38, 1-based): chr1:211,663,449, T>C on the plus strand (A>G on the coding strand, the complement: NEK2 is on the minus strand). VCF-style: chr1-211663449-T-C. GRCh37 (hg19) VCF-style: chr1-211836791-T-C.
Other names: c.1111+3657A>G (NM_001204182.2); short protein forms R439G.
Identifiers: ClinVar variation 2068681 (VCV002068681.4), dbSNP rs1286575982, ClinGen allele CA344773208.